The following is an entry in ClinVar:

NM_003098.3(SNTA1):c.178G>A (p.Glu60Lys)

Gene: SNTA1 (syntrophin alpha 1; minus strand). Cytogenetic location: 20q11.21.
Variant type: single nucleotide variant.
Coding change: c.178G>A on transcript NM_003098.3 (MANE Select); coding-DNA position 178, G replaced by A.
Protein change: p.Glu60Lys; replaces glutamic acid 60 with lysine.
Molecular consequence: missense variant.
Genome position (GRCh38, 1-based): chr20:33,443,443, C>T on the plus strand (G>A on the coding strand, the complement: SNTA1 is on the minus strand). VCF-style: chr20-33443443-C-T. GRCh37 (hg19) VCF-style: chr20-32031249-C-T.
Other names: short protein forms E60K.
Identifiers: ClinVar variation 1780168 (VCV001780168.2), dbSNP rs1023067137, ClinGen allele CA313279020.
Genomic context (GRCh38, chr20:33,443,443, plus strand): 5'-CCTCTGGCAGCTGCGGGGGCCCGGCGCCCGGCTCCGCGGCGCCGTTGAGCTGCGCGGGCT[C>T]CTGCTCCCGCGGAGCGCCGGGCTCGGGACCAGGGTCGCCGTCGGCGGGGCTCACGGTCAG-3'
Protein context (NP_003089.1, residues 50-70): GPEPGAPREQ[Glu60Lys]PAQLNGAAEP

ClinVar aggregate classification (germline): Uncertain significance (1 of 4 stars; one submission).

Conditions:
Cardiovascular phenotype. Identifiers: MedGen CN230736.

Allele frequency attached by ClinVar (database versions not stated): TOPMed below 0.00001.
gnomAD v4.1: 5 of 1,358,074 alleles (0.00037%); 1 homozygote.

Submission:

Ambry Genetics
Classification: Uncertain significance for Cardiovascular phenotype. Last evaluated: 2021-11-09. Review status: criteria provided, single submitter. Criteria: Ambry Variant Classification Scheme 2023. Collection method: clinical testing. Allele origin: germline.
Comment: The p.E60K variant (also known as c.178G>A), located in coding exon 1 of the SNTA1 gene, results from a G to A substitution at nucleotide position 178. The glutamic acid at codon 60 is replaced by lysine, an amino acid with similar properties. This amino acid position is conserved. In addition, this alteration is predicted to be tolerated by in silico analysis. Since supporting evidence is limited at this time, the clinical significance of this alteration remains unclear.